The following is an entry in ClinVar:

NM_017739.4(POMGNT1):c.1160A>G (p.Lys387Arg)

Genes: POMGNT1 (protein O-linked mannose N-acetylglucosaminyltransferase 1 (beta 1,2-); minus strand), TSPAN1 (tetraspanin 1; plus strand). Cytogenetic location: 1p34.1.
Variant type: single nucleotide variant.
Coding change: c.1160A>G on transcript NM_017739.4 (MANE Select); coding-DNA position 1160, A replaced by G.
Protein change: p.Lys387Arg; replaces lysine 387 with arginine.
Molecular consequence: missense variant.
Genome position (GRCh38, 1-based): chr1:46,192,951, T>C on the plus strand (A>G on the coding strand, the complement: POMGNT1 is on the minus strand). VCF-style: chr1-46192951-T-C. GRCh37 (hg19) VCF-style: chr1-46658623-T-C.
Other names: c.1160A>G, p.Lys387Arg (NM_001243766.2, NM_001410783.1); c.1094A>G, p.Lys365Arg (NM_001290129.3); c.731A>G, p.Lys244Arg (NM_001290130.2); short protein forms K387R, K244R, K365R.
Identifiers: ClinVar variation 649830 (VCV000649830.8), dbSNP rs1351958771, ClinGen allele CA340179168.

ClinVar aggregate classification (germline): Uncertain significance. Review status: criteria provided, multiple submitters, no conflicts (2 of 4 stars). 3 submissions from 3 submitters: Uncertain significance (3). Last evaluated 2025-01-09.

Conditions:
Inborn genetic diseases. Identifiers: MedGen C0950123, MeSH D030342.
Autosomal recessive limb-girdle muscular dystrophy type 2O. Also called: Limb-Girdle Muscular Dystrophy Type 3C; MUSCULAR DYSTROPHY-DYSTROGLYCANOPATHY, LIMB-GIRDLE, POMGNT1-RELATED; MUSCULAR DYSTROPHY-DYSTROGLYCANOPATHY (LIMB-GIRDLE), TYPE C, 3. Identifiers: Orphanet 206564, MedGen C3150417, MONDO:0013161, OMIM 613157.
Muscular dystrophy-dystroglycanopathy (congenital with impaired intellectual development), type B, 3. Also called: Muscular dystrophy-dystroglycanopathy (congenital with intellectual disability), type B3; MUSCULAR DYSTROPHY, CONGENITAL, POMGNT1-RELATED. Identifiers: MedGen C3150412, MONDO:0013155, OMIM 613151.

Allele frequency attached by ClinVar (database versions not stated): TOPMed 0.00001.

Submissions (3):

Ambry Genetics
Classification: Uncertain significance for Inborn genetic diseases. Last evaluated: 2025-01-09. Review status: criteria provided, single submitter. Criteria: Ambry Variant Classification Scheme 2023. Collection method: clinical testing. Allele origin: germline.

Labcorp Genetics (formerly Invitae), Labcorp
Classification: Uncertain significance for Autosomal recessive limb-girdle muscular dystrophy type 2O; Muscular dystrophy-dystroglycanopathy (congenital with impaired intellectual development), type B, 3. Last evaluated: 2024-04-25. Review status: criteria provided, single submitter. Criteria: Invitae Variant Classification Sherloc (09022015). Collection method: clinical testing. Allele origin: germline.
Comment: This sequence change replaces lysine, which is basic and polar, with arginine, which is basic and polar, at codon 387 of the POMGNT1 protein (p.Lys387Arg). This variant is not present in population databases (gnomAD no frequency). This variant has not been reported in the literature in individuals affected with POMGNT1-related conditions. ClinVar contains an entry for this variant (Variation ID: 649830). Advanced modeling of protein sequence and biophysical properties (such as structural, functional, and spatial information, amino acid conservation, physicochemical variation, residue mobility, and thermodynamic stability) performed at Invitae indicates that this missense variant is not expected to disrupt POMGNT1 protein function with a negative predictive value of 95%. In summary, the available evidence is currently insufficient to determine the role of this variant in disease. Therefore, it has been classified as a Variant of Uncertain Significance.

Revvity Omics, Revvity
Classification: Uncertain significance. Last evaluated: 2019-11-06. Review status: criteria provided, single submitter. Criteria: ACMG Guidelines, 2015. Collection method: clinical testing. Allele origin: germline.